The following is an entry in ClinVar:

ClinVar aggregate classification (germline): Uncertain significance (1 of 4 stars; one submission).

Allele frequency attached by ClinVar (database versions not stated): gnomAD exomes below 0.00001; ExAC 0.00001; gnomAD 0.00005; TOPMed 0.00007; ESP Exome Variant Server 0.00008.
gnomAD v4.1: 12 of 1,613,926 alleles (0.00074%); highest among the groups gnomAD compares: African/African-American, 0.016%; no homozygotes.

Submission:

Labcorp Genetics (formerly Invitae), Labcorp
Classification: Uncertain significance. Last evaluated: 2022-02-02. Review status: criteria provided, single submitter. Criteria: Invitae Variant Classification Sherloc (09022015). Collection method: clinical testing. Allele origin: germline.
Comment: This sequence change replaces proline, which is neutral and non-polar, with serine, which is neutral and polar, at codon 613 of the PCDH15 protein (p.Pro613Ser). This variant is present in population databases (rs149869374, gnomAD 0.008%). This variant has not been reported in the literature in individuals affected with PCDH15-related conditions. Algorithms developed to predict the effect of missense changes on protein structure and function are either unavailable or do not agree on the potential impact of this missense change (SIFT: "Tolerated"; PolyPhen-2: "Probably Damaging"; Align-GVGD: "Class C0"). In summary, the available evidence is currently insufficient to determine the role of this variant in disease. Therefore, it has been classified as a Variant of Uncertain Significance.

NM_001384140.1(PCDH15):c.1837C>T (p.Pro613Ser)

Gene: PCDH15 (protocadherin related 15; minus strand). Cytogenetic location: 10q21.1.
Variant type: single nucleotide variant.
Coding change: c.1837C>T on transcript NM_001384140.1 (MANE Select); coding-DNA position 1837, C replaced by T.
Protein change: p.Pro613Ser; replaces proline 613 with serine.
Molecular consequence: missense variant. On other transcripts: intron variant (1).
Genome position (GRCh38, 1-based): chr10:54,132,955, G>A on the plus strand (C>T on the coding strand, the complement: PCDH15 is on the minus strand). VCF-style: chr10-54132955-G-A. GRCh37 (hg19) VCF-style: chr10-55892715-G-A.
Other names: c.1852C>T, p.Pro618Ser (NM_001142763.2, NM_001142771.2); c.1837C>T, p.Pro613Ser (NM_001142764.2, NM_001142766.2, NM_001142770.3 and 5 more transcripts); c.1726C>T, p.Pro576Ser (NM_001142767.2); c.1771C>T, p.Pro591Ser (NM_001142768.2, NM_001142773.2, NM_001354404.2); c.1873C>T, p.Pro625Ser (NM_001142769.4); c.1858C>T, p.Pro620Ser (NM_001354411.2); c.1784+20145C>T (NM_001142765.2); short protein forms P591S, P618S, P625S, P613S, P620S, P576S.
Identifiers: ClinVar variation 2162269 (VCV002162269.1), dbSNP rs149869374, ClinGen allele CA5506246.